The following is an entry in ClinVar:

ClinVar aggregate classification (germline): Uncertain significance. Review status: criteria provided, multiple submitters, no conflicts (2 of 4 stars). 4 submissions from 4 submitters: Uncertain significance (3). 1 of the submissions does not count toward it. Last evaluated 2025-12-22.

Conditions:
Hereditary cancer-predisposing syndrome. Also called: Neoplastic Syndromes, Hereditary; Tumor predisposition; Hereditary neoplastic syndrome; Hereditary Cancer Syndrome. Identifiers: Orphanet 140162, MedGen C0027672, MeSH D009386, MONDO:0015356.
CTNNA1-related disorder. Also called: CTNNA1-related condition.

Allele frequency attached by ClinVar (database versions not stated): TOPMed 0.00002.
gnomAD v4.1: 6 of 1,614,008 alleles (0.00037%); highest among the groups gnomAD compares: Admixed American, 0.0017%; no homozygotes.

Submissions (4):

Labcorp Genetics (formerly Invitae), Labcorp
Classification: Uncertain significance. Last evaluated: 2025-12-22. Review status: criteria provided, single submitter. Criteria: Invitae Variant Classification Sherloc (09022015). Collection method: clinical testing. Allele origin: germline.
Comment: This sequence change replaces serine, which is neutral and polar, with phenylalanine, which is neutral and non-polar, at codon 117 of the CTNNA1 protein (p.Ser117Phe). This variant is not present in population databases (gnomAD no frequency). This variant has not been reported in the literature in individuals affected with CTNNA1-related conditions. ClinVar contains an entry for this variant (Variation ID: 641880). An algorithm developed to predict the effect of missense changes on protein structure and function (PolyPhen-2) suggests that this variant is likely to be tolerated. In summary, the available evidence is currently insufficient to determine the role of this variant in disease. Therefore, it has been classified as a Variant of Uncertain Significance.

Ambry Genetics
Classification: Uncertain significance for Hereditary cancer-predisposing syndrome. Last evaluated: 2024-05-21. Review status: criteria provided, single submitter. Criteria: Ambry Variant Classification Scheme 2023. Collection method: clinical testing. Allele origin: germline.
Comment: The p.S117F variant (also known as c.350C>T), located in coding exon 3 of the CTNNA1 gene, results from a C to T substitution at nucleotide position 350. The serine at codon 117 is replaced by phenylalanine, an amino acid with highly dissimilar properties. In one study, this alteration was identified in 1/151,425 individuals who underwent multi-gene germline genetic testing and classified as a variant of uncertain significance by the authors (Clark DF et al. Genet Med, 2020 May;22:840-846). This amino acid position is highly conserved in available vertebrate species. In addition, this alteration is predicted to be deleterious by in silico analysis. The evidence for this gene-disease relationship is limited; therefore, the clinical significance of this alteration is unclear.

GeneDx
Classification: Uncertain significance. Last evaluated: 2022-06-06. Review status: criteria provided, single submitter. Criteria: GeneDx Variant Classification Process June 2021. Collection method: clinical testing. Allele origin: germline. Affected: yes.
Comment: Not observed at significant frequency in large population cohorts (gnomAD); In silico analysis supports that this missense variant has a deleterious effect on protein structure/function; Reported in an individual undergoing multi-gene hereditary cancer panel testing for whom details regarding personal or family history of cancer were not provided (Clark et al., 2020); This variant is associated with the following publications: (PMID: 32051609)

PreventionGenetics, part of Exact Sciences
Classification: Uncertain significance for CTNNA1-related condition. Last evaluated: 2023-10-25. Review status: no assertion criteria provided. Collection method: clinical testing. Allele origin: germline. Not counted in ClinVar's aggregate classification.
Comment: The CTNNA1 c.350C>T variant is predicted to result in the amino acid substitution p.Ser117Phe. This variant was reported in an individual undergoing hereditary cancer panel testing (Table S1, Clark et al. 2020. PubMed ID: 32051609). This variant has not been reported in a large population database, indicating this variant is rare. It is interpreted as uncertain significance in ClinVar. At this time, the clinical significance of this variant is uncertain due to the absence of conclusive functional and genetic evidence.

Literature cited by the submitters: PubMed 32051609 (cited by Ambry Genetics).

NM_001903.5(CTNNA1):c.350C>T (p.Ser117Phe)

Gene: CTNNA1 (catenin alpha 1; plus strand). Cytogenetic location: 5q31.2.
Variant type: single nucleotide variant.
Coding change: c.350C>T on transcript NM_001903.5 (MANE Select); coding-DNA position 350, C replaced by T.
Protein change: p.Ser117Phe; replaces serine 117 with phenylalanine.
Molecular consequence: missense variant. On other transcripts: intron variant (1).
Genome position (GRCh38, 1-based): chr5:138,810,086, C>T. VCF-style: chr5-138810086-C-T. GRCh37 (hg19) VCF-style: chr5-138145775-C-T.
Other names: c.350C>T (NM_001903.4); c.350C>T, p.Ser117Phe (NM_001290307.3, NM_001323982.2, NM_001323983.1 and 3 more transcripts); c.41C>T, p.Ser14Phe (NM_001290309.3); c.-5-15C>T (NM_001290310.3); short protein forms S14F, S117F.
Identifiers: ClinVar variation 641880 (VCV000641880.18), dbSNP rs766845544, ClinGen allele CA361122967.